The following is an entry in ClinVar:

ClinVar aggregate classification (germline): Uncertain significance (1 of 4 stars; one submission).

Conditions:
Hereditary breast ovarian cancer syndrome. Also called: Hereditary breast and ovarian cancer syndrome (HBOC); Hereditary breast and ovarian cancer; Breast and ovarian cancer; Hereditary breast and/or ovarian cancer syndrome; BRCA1- and BRCA2-Associated Hereditary Breast and Ovarian Cancer; Hereditary breast and ovarian cancer syndrome. Identifiers: Orphanet 145, MedGen C0677776, MeSH D061325, MONDO:0003582. Disease mechanism: loss of function.

Submission:

Labcorp Genetics (formerly Invitae), Labcorp
Classification: Uncertain significance for Hereditary breast ovarian cancer syndrome. Last evaluated: 2025-10-30. Review status: criteria provided, single submitter. Criteria: Invitae Variant Classification Sherloc (09022015). Collection method: clinical testing. Allele origin: germline.
Comment: This sequence change replaces leucine, which is neutral and non-polar, with valine, which is neutral and non-polar, at codon 1072 of the BRCA2 protein (p.Leu1072Val). This variant is not present in population databases (gnomAD no frequency). This variant has not been reported in the literature in individuals affected with BRCA2-related conditions. Invitae Evidence Modeling of protein sequence and biophysical properties (such as structural, functional, and spatial information, amino acid conservation, physicochemical variation, residue mobility, and thermodynamic stability) indicates that this missense variant is not expected to disrupt BRCA2 protein function with a negative predictive value of 95%. In summary, the available evidence is currently insufficient to determine the role of this variant in disease. Therefore, it has been classified as a Variant of Uncertain Significance.

NM_000059.4(BRCA2):c.3214T>G (p.Leu1072Val)

Gene: BRCA2 (BRCA2 DNA repair associated; plus strand). Cytogenetic location: 13q13.1.
Variant type: single nucleotide variant.
Coding change: c.3214T>G on transcript NM_000059.4 (MANE Select); coding-DNA position 3214, T replaced by G.
Protein change: p.Leu1072Val; replaces leucine 1072 with valine.
Molecular consequence: missense variant. On other transcripts: non-coding transcript variant (1), intron variant (2).
Genome position (GRCh38, 1-based): chr13:32,337,569, T>G. VCF-style: chr13-32337569-T-G. GRCh37 (hg19) VCF-style: chr13-32911706-T-G.
Other names: c.3214T>G, p.Leu1072Val (NM_001406719.1, NM_001406720.1, NM_001432077.1); c.1909+4182T>G (NM_001406721.1); c.424+6539T>G (NM_001406722.1); short protein forms L1072V.
Identifiers: ClinVar variation 4802295 (VCV004802295.1).